The following is an entry in ClinVar:

NM_001114753.3(ENG):c.772del (p.Tyr258fs)

Gene: ENG (endoglin; minus strand). Cytogenetic location: 9q34.11.
Variant type: Deletion.
Coding change: c.772del on transcript NM_001114753.3 (MANE Select); coding-DNA position 772, one base deleted (T; older notation c.772delT).
Protein change: p.Tyr258fs; shifts the reading frame from tyrosine 258.
Molecular consequence: frameshift variant.
Genome position (GRCh38, 1-based): chr9:127,825,275, A deleted on the plus strand (T on the coding strand, the reverse complement: ENG is on the minus strand). VCF-style (leftmost placement, unchanged base first): chr9-127825274-TA-T. GRCh37 (hg19) VCF-style: chr9-130587553-TA-T.
Other names: p.Tyr258Thrfs*101; c.772del (NM_000118.2); c.772delT (NM_000118.3); c.772delT, p.Tyr258Thrfs (NM_000118.4, NM_001114753.2, NM_001406715.1); c.226del, p.Tyr76fs (NM_001278138.2); short protein forms Y258fs, Y76fs.
Identifiers: ClinVar variation 982480 (VCV000982480.17), dbSNP rs1830580093, ClinGen allele CA1139661210.

ClinVar aggregate classification (germline): Pathogenic. Review status: criteria provided, multiple submitters, no conflicts (2 of 4 stars). 5 submissions from 5 submitters: Pathogenic (5). Last evaluated 2026-07-22.

Conditions:
Cardiovascular phenotype. Identifiers: MedGen CN230736.
Hereditary hemorrhagic telangiectasia (HHT). Also called: Osler hemorrhagic telangiectasia syndrome; ORW DISEASE; Osler Weber Rendu syndrome; OSLER-RENDU-WEBER DISEASE. Identifiers: Orphanet 774, MedGen C0039445, MONDO:0019180. Disease mechanism: loss of function.
Telangiectasia, hereditary hemorrhagic, type 1 (HHT1). Also called: Osler Weber Rendu syndrome type 1; ENG-Related Hereditary Hemorrhagic Telangiectasia. Identifiers: Orphanet 774, MedGen C4551861, MONDO:0008535, OMIM 187300. Disease mechanism: loss of function.

Submissions (5):

GeneDx
Classification: Pathogenic. Last evaluated: 2026-07-22. Review status: criteria provided, single submitter. Criteria: GeneDx Variant Classification Process June 2021. Collection method: clinical testing. Allele origin: germline.
Comment: Frameshift variant predicted to result in protein truncation or nonsense mediated decay in a gene for which loss of function is a known mechanism of disease; Not observed at significant frequency in large population cohorts (gnomAD); This variant is associated with the following publications: (PMID: 32573726, 22991266, 15879500, 31400083, 17786384, 16470589, 31455059)

Labcorp Genetics (formerly Invitae), Labcorp
Classification: Pathogenic for Hereditary hemorrhagic telangiectasia. Last evaluated: 2024-08-29. Review status: criteria provided, single submitter. Criteria: Invitae Variant Classification Sherloc (09022015). Collection method: clinical testing. Allele origin: germline.
Comment: This sequence change creates a premature translational stop signal (p.Tyr258Thrfs*101) in the ENG gene. It is expected to result in an absent or disrupted protein product. Loss-of-function variants in ENG are known to be pathogenic (PMID: 15879500). This variant is not present in population databases (gnomAD no frequency). This premature translational stop signal has been observed in individuals with hereditary hemorrhagic telangiectasia (PMID: 16470589, 22991266). ClinVar contains an entry for this variant (Variation ID: 982480). For these reasons, this variant has been classified as Pathogenic.

Ambry Genetics
Classification: Pathogenic for Cardiovascular phenotype. Last evaluated: 2022-02-08. Review status: criteria provided, single submitter. Criteria: Ambry Variant Classification Scheme 2023. Collection method: clinical testing. Allele origin: germline.
Comment: The c.772delT pathogenic mutation, located in coding exon 6 of the ENG gene, results from a deletion of one nucleotide at nucleotide position 772, causing a translational frameshift with a predicted alternate stop codon (p.Y258Tfs*101). This alteration has been reported in individuals with hereditary hemorrhagic telangiectasia (HHT) (Fernandez-L A et al. Hum Mutat, 2006 Mar;27:295; Olivieri C et al. J Hum Genet, 2007 Sep;52:820-829; Nishida T et al. Am J Med Genet A, 2012 Nov;158A:2829-34; Kim D et al. Neurointervention, 2019 Sep;14:91-98; Zhao Y et al. Mol Genet Genomic Med, 2019 09;7:e893; Shovlin CL et al. Blood, 2020 10;136:1907-1918). This variant is considered to be rare based on population cohorts in the Genome Aggregation Database (gnomAD). In addition, this alteration is expected to result in loss of function by premature protein truncation or nonsense-mediated mRNA decay. As such, this alteration is interpreted as a disease-causing mutation.

Mayo Clinic Laboratories, Mayo Clinic
Classification: Pathogenic. Last evaluated: 2021-10-27. Review status: criteria provided, single submitter. Criteria: ACMG Guidelines, 2015. Collection method: clinical testing. Allele origin: germline.
Comment: PM2_supporting, PS4_moderate, PVS1

NIHR Bioresource Rare Diseases, University of Cambridge
Classification: Pathogenic for Telangiectasia, hereditary hemorrhagic, type 1. Last evaluated: 2018-01-01. Review status: criteria provided, single submitter. Criteria: ACMG Guidelines, 2015. Collection method: research. Allele origin: unknown. Affected: yes. Observed: 1 variant allele.
Comment: PVS1+PM2+PP4

Literature cited by the submitters: PubMed 15879500 (cited by Labcorp Genetics (formerly Invitae), Labcorp); PubMed 16470589 (cited by 3 submitters); PubMed 22991266 (cited by 3 submitters); PubMed 17786384 (cited by Ambry Genetics); PubMed 31400083 (cited by Ambry Genetics and Mayo Clinic Laboratories, Mayo Clinic); PubMed 31455059 (cited by Ambry Genetics); PubMed 32573726 (cited by Ambry Genetics and NIHR Bioresource Rare Diseases, University of Cambridge).